The following continues an entry in ClinVar:

NM_000350.3(ABCA4):c.466A>G (p.Ile156Val)

Gene: ABCA4. ClinVar aggregate classification (germline): Conflicting classifications of pathogenicity. Uncertain significance (8); Likely benign (4).

Submissions 16 to 19 of 19:

Clinical Genetics, Academic Medical Center
Classification: Likely benign. Review status: no assertion criteria provided. Collection method: clinical testing. Allele origin: germline. Affected: yes. Study: VKGL Data-share Consensus. Not counted in ClinVar's aggregate classification.

Department of Pathology and Laboratory Medicine, Sinai Health System
Classification: Uncertain significance. Review status: no assertion criteria provided. Collection method: clinical testing. Allele origin: unknown. Affected: yes. Study: The Canadian Open Genetics Repository (COGR). Not counted in ClinVar's aggregate classification.
Comment: The ABCA4 p.Ile156Val variant was identified in 22 of 9152 proband chromosomes (freq=0.0024) from individuals or families with ABCA4-associated diseases, including Stargardt disease, retinitis pigmentosa and retinal dystrophies; the variant was also found in 5 of 348 chromosomes (freq=0.014) from healthy controls (Fujinami_2013_PMID:23982839; Cornelis_2017_PMID:28044389; Oldani_2012_PMID:23096905; Zernant_2011_PMID:21911583; Riviero-Alvarez_2009_PMID:18977788; Ducrog_2002_PMID:12515255; Papaioannou_2000_PMID:10634594, Valverde_2007_PMID:17325136; Passerini_2010_PMID:19265867). The variant was also identified in dbSNP (ID: rs62646863), Cosmic, LOVD 3.0 and ClinVar (classified as a VUS by GeneDx in 2017, EGL Genetic Diagnostics in 2016, Ambry Genetics in 2015, Center for Mendelian Genomics at University Medical Centre Ljubjana in 2017 and classified as likely benign by NIHR Bioresource Rare Diseases, University of Cambridge in 2015). The p.Ile156Val variant was identified in control databases in 408 of 282784 chromosomes (1 homozygous) at a frequency of 0.001443 increasing the likelihood this could be a low frequency benign variant (Genome Aggregation Database Feb 27, 2017). The variant was observed in the following populations: Latino in 117 of 35438 chromosomes (freq: 0.003302), Other in 18 of 7226 chromosomes (freq: 0.002491), Ashkenazi Jewish in 21 of 10368 chromosomes (freq: 0.002025), European (non-Finnish) in 242 of 129102 chromosomes (freq: 0.001874), African in 4 of 24960 chromosomes (freq: 0.00016), European (Finnish) in 3 of 25122 chromosomes (freq: 0.000119), South Asian in 2 of 30614 chromosomes (freq: 0.000065), and East Asian in 1 of 19954 chromosomes (freq: 0.00005). The I156V variant was identified in 2/29 families with ABCA4-related conditions, one with Stargardt disease and one with cone dystrophy, although the variant was not suggested to be causal in either case (GonzâˆšÂ°lez-del Pozo_2018_PMID:30190494). The p.Ile156 residue is not conserved in mammals and 4 of 5 computational analyses (PolyPhen-2, SIFT, AlignGVGD, BLOSUM) do not suggest a high likelihood of impact to the protein. In addition, the variant occurs outside of the splicing consensus sequence and in silico or computational prediction software programs (SpliceSiteFinder, MaxEntScan, NNSPLICE, GeneSplicer) do not predict a difference in splicing. In summary, based on the above information the clinical significance of this variant cannot be determined with certainty at this time. This variant is classified as a variant of uncertain significance.

Joint Genome Diagnostic Labs from Nijmegen and Maastricht, Radboudumc and MUMC+
Classification: Likely benign. Review status: no assertion criteria provided. Collection method: clinical testing. Allele origin: germline. Affected: yes. Study: VKGL Data-share Consensus. Not counted in ClinVar's aggregate classification.

Retina International
No classification provided. Review status: no classification provided. Collection method: not provided. Allele origin: unknown. Not counted in ClinVar's aggregate classification.

Literature cited by the submitters: PubMed 12515255 (cited by Eurofins Ntd Llc (ga)); PubMed 10634594 (cited by Institute of Human Genetics, Univ. Regensburg, Univ. Regensburg and NIHR Bioresource Rare Diseases, University of Cambridge); PubMed 18977788 (cited by Institute of Human Genetics, Univ. Regensburg, Univ. Regensburg); PubMed 20220177 (cited by Institute of Human Genetics, Univ. Regensburg, Univ. Regensburg); PubMed 29925512 (cited by Institute of Human Genetics, Univ. Regensburg, Univ. Regensburg); PubMed 31964843 (cited by Institute of Human Genetics, Univ. Regensburg, Univ. Regensburg); PubMed 32307445 (cited by Institute of Human Genetics, Univ. Regensburg, Univ. Regensburg); PubMed 33302505 (cited by Institute of Human Genetics, Univ. Regensburg, Univ. Regensburg); PubMed 35260635 (cited by Institute of Human Genetics, Univ. Regensburg, Univ. Regensburg); PubMed 28041643 (cited by NIHR Bioresource Rare Diseases, University of Cambridge).